The following is an entry in ClinVar:

NM_145261.4(DNAJC19):c.210-2A>G

Gene: DNAJC19 (DnaJ heat shock protein family (Hsp40) member C19; minus strand). Cytogenetic location: 3q26.33.
Variant type: single nucleotide variant.
Coding change: c.210-2A>G on transcript NM_145261.4 (MANE Select); the canonical splice acceptor site of the intron before coding-DNA position 210, A replaced by G.
Molecular consequence: splice acceptor variant.
Genome position (GRCh38, 1-based): chr3:180,985,998, T>C on the plus strand (A>G on the coding strand, the complement: DNAJC19 is on the minus strand). VCF-style: chr3-180985998-T-C. GRCh37 (hg19) VCF-style: chr3-180703786-T-C.
Other names: c.135-2A>G (NM_001190233.2).
Identifiers: ClinVar variation 2841822 (VCV002841822.3), dbSNP rs2473927704, ClinGen allele CA355472390.

ClinVar aggregate classification (germline): Likely pathogenic (1 of 4 stars; one submission).

Conditions:
3-methylglutaconic aciduria type 5. Also called: 3 alpha methylglutaconic aciduria type V; MGA 5; CARDIOMYOPATHY, DILATED, WITH ATAXIA; MGA, TYPE V. Identifiers: Orphanet 66634, MedGen C1857776, MONDO:0012435, OMIM 610198.

Submission:

Labcorp Genetics (formerly Invitae), Labcorp
Classification: Likely pathogenic for 3-methylglutaconic aciduria type 5. Last evaluated: 2023-03-01. Review status: criteria provided, single submitter. Criteria: Invitae Variant Classification Sherloc (09022015). Collection method: clinical testing. Allele origin: germline.
Comment: This sequence change affects an acceptor splice site in intron 4 of the DNAJC19 gene. It is expected to disrupt RNA splicing. Variants that disrupt the donor or acceptor splice site typically lead to a loss of protein function (PMID: 16199547), and loss-of-function variants in DNAJC19 are known to be pathogenic (PMID: 16055927, 27928778). This variant is not present in population databases (gnomAD no frequency). This variant has not been reported in the literature in individuals affected with DNAJC19-related conditions. Algorithms developed to predict the effect of sequence changes on RNA splicing suggest that this variant may disrupt the consensus splice site. In summary, the currently available evidence indicates that the variant is pathogenic, but additional data are needed to prove that conclusively. Therefore, this variant has been classified as Likely Pathogenic.

Literature cited by the submitters: PubMed 16199547; PubMed 16055927; PubMed 27928778.